The following is an entry in ClinVar:

NM_018646.6(TRPV6):c.1572+3C>G

Gene: TRPV6 (transient receptor potential cation channel subfamily V member 6; minus strand). Cytogenetic location: 7q34.
Variant type: single nucleotide variant.
Coding change: c.1572+3C>G on transcript NM_018646.6 (MANE Select); 3 bases into the intron after coding-DNA position 1572, C replaced by G.
Molecular consequence: intron variant.
Genome position (GRCh38, 1-based): chr7:142,874,488, G>C on the plus strand (C>G on the coding strand, the complement: TRPV6 is on the minus strand). VCF-style: chr7-142874488-G-C. GRCh37 (hg19) VCF-style: chr7-142572241-G-C.
Identifiers: ClinVar variation 4699589 (VCV004699589.1).

ClinVar aggregate classification (germline): Uncertain significance (1 of 4 stars; one submission).

Submission:

Labcorp Genetics (formerly Invitae), Labcorp
Classification: Uncertain significance. Last evaluated: 2025-11-27. Review status: criteria provided, single submitter. Criteria: Invitae Variant Classification Sherloc (09022015). Collection method: clinical testing. Allele origin: germline.
Comment: This sequence change falls in intron 11 of the TRPV6 gene. It does not directly change the encoded amino acid sequence of the TRPV6 protein. It affects a nucleotide within the consensus splice site. This variant is present in population databases (rs781014707, gnomAD 0.004%). This variant has not been reported in the literature in individuals affected with TRPV6-related conditions. Variants that disrupt the consensus splice site are a relatively common cause of aberrant splicing (PMID: 17576681, 9536098). Algorithms developed to predict the effect of sequence changes on RNA splicing suggest that this variant is not likely to affect RNA splicing. In summary, the available evidence is currently insufficient to determine the role of this variant in disease. Therefore, it has been classified as a Variant of Uncertain Significance.

Literature cited by the submitters: PubMed 17576681; PubMed 9536098.